The following is an entry in ClinVar:

NM_004260.4(RECQL4):c.1270G>A (p.Asp424Asn)

Gene: RECQL4 (RecQ like helicase 4; minus strand). Cytogenetic location: 8q24.3.
Variant type: single nucleotide variant.
Coding change: c.1270G>A on transcript NM_004260.4 (MANE Select); coding-DNA position 1270, G replaced by A.
Protein change: p.Asp424Asn; replaces aspartic acid 424 with asparagine.
Molecular consequence: missense variant.
Genome position (GRCh38, 1-based): chr8:144,515,446, C>T on the plus strand (G>A on the coding strand, the complement: RECQL4 is on the minus strand). VCF-style: chr8-144515446-C-T. GRCh37 (hg19) VCF-style: chr8-145740830-C-T.
Other names: short protein forms D424N.
Identifiers: ClinVar variation 837801 (VCV000837801.7), dbSNP rs765611938, ClinGen allele CA4948926.

ClinVar aggregate classification (germline): Uncertain significance. Review status: criteria provided, multiple submitters, no conflicts (2 of 4 stars). 3 submissions from 3 submitters: Uncertain significance (3). Last evaluated 2024-11-25.

Conditions:
Rothmund-Thomson syndrome type 2 (RTS2). Identifiers: Orphanet 221016, MedGen C5203410, MONDO:0016369, OMIM 268400.
Inborn genetic diseases. Identifiers: MedGen C0950123, MeSH D030342.
Baller-Gerold syndrome (BGS). Also called: CRANIOSYNOSTOSIS WITH RADIAL DEFECTS. Identifiers: Orphanet 1225, MedGen C0265308, MONDO:0009039, OMIM 218600.

Allele frequency attached by ClinVar (database versions not stated): gnomAD 0.00001; TOPMed 0.00002.
gnomAD v4.1: 14 of 1,612,650 alleles (0.00087%); highest among the groups gnomAD compares: African/African-American, 0.004%; no homozygotes.

Submissions (3):

Ambry Genetics
Classification: Uncertain significance for Inborn genetic diseases. Last evaluated: 2024-11-25. Review status: criteria provided, single submitter. Criteria: Ambry Variant Classification Scheme 2023. Collection method: clinical testing. Allele origin: germline.
Comment: The p.D424N variant (also known as c.1270G>A), located in coding exon 7 of the RECQL4 gene, results from a G to A substitution at nucleotide position 1270. The aspartic acid at codon 424 is replaced by asparagine, an amino acid with highly similar properties. This amino acid position is conserved. In addition, this alteration is predicted to be tolerated by in silico analysis. Based on the available evidence, the clinical significance of this variant remains unclear.

St. Jude Molecular Pathology, St. Jude Children's Research Hospital
Classification: Uncertain significance for Rothmund-Thomson syndrome type 2. Last evaluated: 2023-10-16. Review status: criteria provided, single submitter. Criteria: St. Jude Assertion Criteria 2020. Collection method: clinical testing. Allele origin: germline.
Comment: The RECQL4 c.1270G>A (p.Asp424Asn) missense change has a maximum subpopulation frequency of 0.0065% in gnomAD v2.1.1. In silico tools are inconclusive about a pathogenic or benign effect of this variant on protein function, and to our knowledge functional studies have not been performed. To our knowledge, this variant has not been reported in individuals with RECQL4-associated conditions. In summary, the evidence currently available is insufficient to determine the clinical significance of this variant. It has therefore been classified as of uncertain significance.

Labcorp Genetics (formerly Invitae), Labcorp
Classification: Uncertain significance for Baller-Gerold syndrome. Last evaluated: 2023-06-05. Review status: criteria provided, single submitter. Criteria: Invitae Variant Classification Sherloc (09022015). Collection method: clinical testing. Allele origin: germline.
Comment: In summary, the available evidence is currently insufficient to determine the role of this variant in disease. Therefore, it has been classified as a Variant of Uncertain Significance. Advanced modeling of protein sequence and biophysical properties (such as structural, functional, and spatial information, amino acid conservation, physicochemical variation, residue mobility, and thermodynamic stability) performed at Invitae indicates that this missense variant is not expected to disrupt RECQL4 protein function. ClinVar contains an entry for this variant (Variation ID: 837801). This variant has not been reported in the literature in individuals affected with RECQL4-related conditions. This variant is present in population databases (rs765611938, gnomAD 0.007%). This sequence change replaces aspartic acid, which is acidic and polar, with asparagine, which is neutral and polar, at codon 424 of the RECQL4 protein (p.Asp424Asn).